The following is an entry in ClinVar:

NM_003890.3(FCGBP):c.3573C>T (p.Cys1191=)

Gene: FCGBP (Fc gamma binding protein; minus strand). Cytogenetic location: 19q13.2.
Variant type: single nucleotide variant.
Coding change: c.3573C>T on transcript NM_003890.3 (MANE Select); coding-DNA position 3573, C replaced by T.
Protein change: p.Cys1191=; no amino-acid change (cysteine 1191 retained).
Molecular consequence: synonymous variant.
Identifiers: ClinVar variation 2649864 (VCV002649864.19), dbSNP rs1599894221, ClinGen allele CA9437500.

ClinVar aggregate classification (germline): Likely benign (1 of 4 stars; one submission).

Submission:

CeGaT Center for Human Genetics Tuebingen
Classification: Likely benign. Last evaluated: 2022-03-01. Review status: criteria provided, single submitter. Criteria: CeGaT Center For Human Genetics Tuebingen Variant Classification Criteria Version 2. Collection method: clinical testing. Allele origin: germline. Affected: yes. Observed: 1 variant allele.
Comment: FCGBP: BP4, BP7